The following is an entry in ClinVar:

ClinVar aggregate classification (germline): Pathogenic/Likely pathogenic. Review status: criteria provided, multiple submitters, no conflicts (2 of 4 stars). 4 submissions from 4 submitters: Pathogenic (2); Likely pathogenic (2). Last evaluated 2025-07-11.

Conditions:
Niemann-Pick disease, type A. Also called: SPHINGOMYELIN LIPIDOSIS; SPHINGOMYELINASE DEFICIENCY; Infantile Neurovisceral ASMD (Niemann-Pick Disease Type A; NPD-A). Identifiers: Orphanet 77292, MedGen C0268242, MONDO:0009756, OMIM 257200. Disease mechanism: loss of function.
Niemann-Pick disease, type B. Also called: Chronic Visceral ASMD (Niemann-Pick Disease Type B; NPD-B). Identifiers: Orphanet 77293, MedGen C0268243, MONDO:0011871, OMIM 607616. Disease mechanism: loss of function.
Sphingomyelin/cholesterol lipidosis. Also called: Niemann-Pick disease. Identifiers: MedGen C0028064, MONDO:0001982.

Submissions (4):

Women's Health and Genetics/Laboratory Corporation of America, LabCorp
Classification: Pathogenic for Sphingomyelin/cholesterol lipidosis. Last evaluated: 2025-07-11. Review status: criteria provided, single submitter. Criteria: LabCorp Variant Classification Summary - May 2015. Collection method: clinical testing. Allele origin: germline.
Comment: Variant summary: SMPD1 c.1144C>T (p.Leu382Phe) results in a non-conservative amino acid change located in the Calcineurin-like phosphoesterase domain (IPR004843) of the encoded protein sequence. Algorithms developed to predict the effect of missense changes on protein structure and function all suggest that this variant is likely to be disruptive. The variant was absent in 249270 control chromosomes (gnomAD). c.1144C>T has been observed in multiple individuals affected with Niemann-Pick Disease (e.g., Zhang_2013, Dong_2020, Hu_2021, Liu_2024). These data indicate that the variant is very likely to be associated with disease. The following publications have been ascertained in the context of this evaluation (PMID: 23356216, 32005694, 38610036, 33675270). ClinVar contains an entry for this variant (Variation ID: 966866). Based on the evidence outlined above, the variant was classified as pathogenic.

Natera, Inc.
Classification: Likely pathogenic for Niemann-Pick Disease, Types A/B. Last evaluated: 2024-04-25. Review status: criteria provided, single submitter. Criteria: Natera Variant Classification Schema (03/2026). Collection method: clinical testing. Allele origin: germline.
Comment: The c.1144C>T variant in SMPD1 is a missense variant predicted to cause substitution of leucine to phenylalanine at amino acid 382. This variant is rare in the general population with a frequency below the threshold expected for the associated phenotype(s). This variant has been observed in one or more individuals affected with the associated recessive disease, as either homozygous or compound heterozygous with a second variant (PMID: 23356216, 35534800, 32005694). Computational prediction algorithms indicate this variant is likely to affect gene or protein function. Given the available evidence, this variant is classified as Likely Pathogenic.

Labcorp Genetics (formerly Invitae), Labcorp
Classification: Pathogenic for Niemann-Pick disease, type B; Niemann-Pick disease, type A. Last evaluated: 2024-02-23. Review status: criteria provided, single submitter. Criteria: Invitae Variant Classification Sherloc (09022015). Collection method: clinical testing. Allele origin: germline.
Comment: This sequence change replaces leucine, which is neutral and non-polar, with phenylalanine, which is neutral and non-polar, at codon 382 of the SMPD1 protein (p.Leu382Phe). This variant is not present in population databases (gnomAD no frequency). This missense change has been observed in individual(s) with ASM deficiency (PMID: 23356216, 32005694; Invitae). ClinVar contains an entry for this variant (Variation ID: 966866). Advanced modeling of protein sequence and biophysical properties (such as structural, functional, and spatial information, amino acid conservation, physicochemical variation, residue mobility, and thermodynamic stability) performed at Invitae indicates that this missense variant is expected to disrupt SMPD1 protein function with a positive predictive value of 95%. For these reasons, this variant has been classified as Pathogenic.

Baylor Genetics
Classification: Likely pathogenic for Niemann-Pick disease, type A. Last evaluated: 2023-01-27. Review status: criteria provided, single submitter. Criteria: ACMG Guidelines, 2015. Collection method: clinical testing. Allele origin: unknown.

Literature cited by the submitters: PubMed 23356216 (cited by 3 submitters); PubMed 32005694 (cited by 3 submitters); PubMed 33675270 (cited by Women's Health and Genetics/Laboratory Corporation of America, LabCorp); PubMed 38610036 (cited by Women's Health and Genetics/Laboratory Corporation of America, LabCorp); PubMed 35534800 (cited by Natera, Inc.).

NM_000543.5(SMPD1):c.1144C>T (p.Leu382Phe)

Gene: SMPD1 (sphingomyelin phosphodiesterase 1; plus strand). Cytogenetic location: 11p15.4.
Variant type: single nucleotide variant.
Coding change: c.1144C>T on transcript NM_000543.5 (MANE Select); coding-DNA position 1144, C replaced by T.
Protein change: p.Leu382Phe; replaces leucine 382 with phenylalanine.
Molecular consequence: missense variant. On other transcripts: non-coding transcript variant (1), intron variant (1).
Genome position (GRCh38, 1-based): chr11:6,393,268, C>T. VCF-style: chr11-6393268-C-T. GRCh37 (hg19) VCF-style: chr11-6414498-C-T.
Other names: c.1141C>T, p.Leu381Phe (NM_001007593.3); c.1144C>T, p.Leu382Phe (NM_001318087.2); c.223C>T, p.Leu75Phe (NM_001318088.2); c.1132-349C>T (NM_001365135.2); short protein forms L382F, L381F, L75F.
Identifiers: ClinVar variation 966866 (VCV000966866.16), dbSNP rs281860666, ClinGen allele CA217301669.